The following is an entry in ClinVar:

NM_024675.4(PALB2):c.3113+1G>C

Gene: PALB2 (partner and localizer of BRCA2; minus strand). Cytogenetic location: 16p12.2.
Variant type: single nucleotide variant.
Coding change: c.3113+1G>C on transcript NM_024675.4 (MANE Select); the canonical splice donor site of the intron after coding-DNA position 3113, G replaced by C.
Molecular consequence: splice donor variant. On other transcripts: intron variant (1).
Genome position (GRCh38, 1-based): chr16:23,621,361, C>G on the plus strand (G>C on the coding strand, the complement: PALB2 is on the minus strand). VCF-style: chr16-23621361-C-G. GRCh37 (hg19) VCF-style: chr16-23632682-C-G.
Other names: c.2228+1G>C (NM_001407308.1, NM_001407306.1, NM_001407309.1 and 4 more transcripts); c.647+1G>C (NM_001407314.1); c.1325+1G>C (NM_001407313.1, NM_001407312.1); c.3053+1G>C (NM_001407296.1); c.3041+1G>C (NM_001407297.1); c.2951+1G>C (NM_001407302.1, NM_001407298.1); c.2834+2648G>C (NM_001407300.1); c.3113+1G>C (NM_001407299.1, NM_001407301.1); and 1 more.
Identifiers: ClinVar variation 1727771 (VCV001727771.4), dbSNP rs1597079557, ClinGen allele CA395142751.

ClinVar aggregate classification (germline): Likely pathogenic. Review status: criteria provided, multiple submitters, no conflicts (2 of 4 stars). 2 submissions from 2 submitters: Likely pathogenic (2). Last evaluated 2026-07-13.

Conditions:
Familial cancer of breast. Also called: BREAST CANCER, FAMILIAL; Hereditary breast cancer; hereditary breast carcinoma. Identifiers: Orphanet 227535, MedGen C0346153, MONDO:0016419, OMIM 114480. Disease mechanism: loss of function.
Hereditary cancer-predisposing syndrome. Also called: Hereditary Cancer Syndrome; Hereditary neoplastic syndrome; Neoplastic Syndromes, Hereditary; Tumor predisposition. Identifiers: Orphanet 140162, MedGen C0027672, MeSH D009386, MONDO:0015356.

Submissions (2):

Ambry Genetics
Classification: Likely pathogenic for Hereditary cancer-predisposing syndrome. Last evaluated: 2026-07-13. Review status: criteria provided, single submitter. Criteria: Ambry Variant Classification Scheme 2023. Collection method: clinical testing. Allele origin: germline.
Comment: The c.3113+1G>C intronic variant results from a G to C substitution one nucleotide after coding exon 10 of the PALB2 gene. This variant is considered to be rare based on population cohorts in the Genome Aggregation Database (gnomAD). This nucleotide position is highly conserved in available vertebrate species. In silico splice site analysis predicts that this alteration will weaken the native splice donor site and may result in the creation or strengthening of a novel splice donor site. RNA studies have demonstrated that this variant results in abnormal splicing in the set of samples tested (Ambry internal data). Alterations that disrupt the canonical splice site are expected to cause aberrant splicing, resulting in an abnormal protein or a transcript that is subject to nonsense-mediated mRNA decay. As such, this alteration is classified as likely pathogenic.

Myriad Genetics, Inc.
Classification: Likely pathogenic for Familial cancer of breast. Last evaluated: 2023-09-14. Review status: criteria provided, single submitter. Criteria: Myriad Autosomal Dominant, Autosomal Recessive and X-Linked Classification Criteria (2023). Collection method: clinical testing. Allele origin: unknown.
Comment: This variant is considered likely pathogenic. This variant occurs within a consensus splice junction and is predicted to result in abnormal mRNA splicing of either an out-of-frame exon or an in-frame exon necessary for protein stability and/or normal function.